The following is an entry in ClinVar:

NM_006306.4(SMC1A):c.1654A>G (p.Thr552Ala)

Gene: SMC1A (structural maintenance of chromosomes 1A; minus strand). Cytogenetic location: Xp11.22.
Variant type: single nucleotide variant.
Coding change: c.1654A>G on transcript NM_006306.4 (MANE Select); coding-DNA position 1654, A replaced by G.
Protein change: p.Thr552Ala; replaces threonine 552 with alanine.
Molecular consequence: missense variant.
Genome position (GRCh38, 1-based): chrX:53,405,848, T>C on the plus strand (A>G on the coding strand, the complement: SMC1A is on the minus strand). VCF-style: chrX-53405848-T-C. GRCh37 (hg19) VCF-style: chrX-53432780-T-C.
Other names: c.1588A>G, p.Thr530Ala (NM_001281463.1); short protein forms T530A, T552A.
Identifiers: ClinVar variation 4743638 (VCV004743638.1).

ClinVar aggregate classification (germline): Uncertain significance (1 of 4 stars; one submission).

Conditions:
Congenital muscular hypertrophy-cerebral syndrome (CDLS2). Also called: SMC1A-Related Cornelia de Lange Syndrome; Cornelia de Lange syndrome 2. Identifiers: Orphanet 199, MedGen C1802395, MONDO:0010370, OMIM 300590.

Submission:

Labcorp Genetics (formerly Invitae), Labcorp
Classification: Uncertain significance for Congenital muscular hypertrophy-cerebral syndrome. Last evaluated: 2025-09-23. Review status: criteria provided, single submitter. Criteria: Invitae Variant Classification Sherloc (09022015). Collection method: clinical testing. Allele origin: germline.
Comment: This sequence change replaces threonine, which is neutral and polar, with alanine, which is neutral and non-polar, at codon 552 of the SMC1A protein (p.Thr552Ala). This variant is not present in population databases (gnomAD no frequency). This variant has not been reported in the literature in individuals affected with SMC1A-related conditions. Invitae Evidence Modeling of protein sequence and biophysical properties (such as structural, functional, and spatial information, amino acid conservation, physicochemical variation, residue mobility, and thermodynamic stability) indicates that this missense variant is not expected to disrupt SMC1A protein function with a negative predictive value of 80%. In summary, the available evidence is currently insufficient to determine the role of this variant in disease. Therefore, it has been classified as a Variant of Uncertain Significance.